The following is an entry in ClinVar:

NM_198721.4(COL25A1):c.1845+2130_1845+2131insAAAAAAAAAAAAAAAAAAA

Gene: COL25A1 (collagen type XXV alpha 1 chain; minus strand). Cytogenetic location: 4q25.
Variant type: Insertion.
Coding change: c.1845+2130_1845+2131insAAAAAAAAAAAAAAAAAAA on transcript NM_198721.4 (MANE Select); bases 2130 to 2131 of the intron after coding-DNA position 1845, AAAAAAAAAAAAAAAAAAA inserted.
Molecular consequence: intron variant.
Genome position: GRCh38 VCF-style: chr4-108822043-A-ATTTTTTTTTTTTTTTTTTT. GRCh37 (hg19) VCF-style: chr4-109743199-A-ATTTTTTTTTTTTTTTTTTT.
Identifiers: ClinVar variation 4084949 (VCV004084949.8).

ClinVar aggregate classification (germline): Likely benign (1 of 4 stars; one submission).

Submission:

CeGaT Center for Human Genetics Tuebingen
Classification: Likely benign. Last evaluated: 2026-04-01. Review status: criteria provided, single submitter. Criteria: CeGaT Center For Human Genetics Tuebingen Variant Classification Criteria Version 2. Collection method: clinical testing. Allele origin: germline. Affected: yes. Observed: 3 variant alleles.
Comment: COL25A1: BS2